The following is an entry in ClinVar:

ClinVar aggregate classification (germline): Uncertain significance (1 of 4 stars; one submission).

Conditions:
Hypertrophic cardiomyopathy 26. Also called: Cardiomyopathy, familial hypertrophic, 26. Identifiers: Orphanet 75249, MedGen C4310749, MONDO:0014883, OMIM 617047.
Myofibrillar myopathy 5. Also called: Filaminopathy (type); FILAMINOPATHY, AUTOSOMAL DOMINANT. Identifiers: Orphanet 171445, MedGen C1836050, MONDO:0012289, OMIM 609524.
Distal myopathy with posterior leg and anterior hand involvement. Also called: WILLIAMS DISTAL MYOPATHY. Identifiers: Orphanet 63273, MedGen C3279722, MONDO:0013550, OMIM 614065.

gnomAD v4.1: 18 of 1,613,420 alleles (0.0011%); highest among the groups gnomAD compares: Non-Finnish European, 0.0015%; no homozygotes.

Submission:

Labcorp Genetics (formerly Invitae), Labcorp
Classification: Uncertain significance for Distal myopathy with posterior leg and anterior hand involvement; Myofibrillar myopathy 5; Hypertrophic cardiomyopathy 26. Last evaluated: 2025-11-20. Review status: criteria provided, single submitter. Criteria: Invitae Variant Classification Sherloc (09022015). Collection method: clinical testing. Allele origin: germline.
Comment: This sequence change replaces valine, which is neutral and non-polar, with methionine, which is neutral and non-polar, at codon 2584 of the FLNC protein (p.Val2584Met). This variant is present in population databases (no rsID available, gnomAD 0.0009%). This variant has not been reported in the literature in individuals affected with FLNC-related conditions. Invitae Evidence Modeling of protein sequence and biophysical properties (such as structural, functional, and spatial information, amino acid conservation, physicochemical variation, residue mobility, and thermodynamic stability) indicates that this missense variant is not expected to disrupt FLNC protein function with a negative predictive value of 95%. In summary, the available evidence is currently insufficient to determine the role of this variant in disease. Therefore, it has been classified as a Variant of Uncertain Significance.

NM_001458.5(FLNC):c.7750G>A (p.Val2584Met)

Genes: FLNC-AS1 (FLNC antisense RNA 1; minus strand), FLNC (filamin C; plus strand). Cytogenetic location: 7q32.1.
Variant type: single nucleotide variant.
Coding change: c.7750G>A on transcript NM_001458.5 (MANE Select); coding-DNA position 7750, G replaced by A.
Protein change: p.Val2584Met; replaces valine 2584 with methionine.
Molecular consequence: missense variant.
Genome position (GRCh38, 1-based): chr7:128,857,306, G>A. VCF-style: chr7-128857306-G-A. GRCh37 (hg19) VCF-style: chr7-128497360-G-A.
Other names: c.7651G>A, p.Val2551Met (NM_001127487.2); short protein forms V2551M, V2584M.
Identifiers: ClinVar variation 4812712 (VCV004812712.1).